The following is an entry in ClinVar:

ClinVar aggregate classification (germline): Uncertain significance (1 of 4 stars; one submission).

Conditions:
DOCK2 deficiency. Also called: Immunodeficiency 40. Identifiers: Orphanet 447737, MedGen C4225328, MONDO:0014637, OMIM 616433.

Allele frequency attached by ClinVar (database versions not stated): gnomAD 0.00001; TOPMed 0.00004.
gnomAD v4.1: 1 of 1,614,032 alleles (0.000062%); highest among the groups gnomAD compares: African/African-American, 0.0013%; no homozygotes.

Submission:

Labcorp Genetics (formerly Invitae), Labcorp
Classification: Uncertain significance for DOCK2 deficiency. Last evaluated: 2022-03-12. Review status: criteria provided, single submitter. Criteria: Invitae Variant Classification Sherloc (09022015). Collection method: clinical testing. Allele origin: germline.
Comment: In summary, the available evidence is currently insufficient to determine the role of this variant in disease. Therefore, it has been classified as a Variant of Uncertain Significance. Algorithms developed to predict the effect of missense changes on protein structure and function (SIFT, PolyPhen-2, Align-GVGD) all suggest that this variant is likely to be tolerated. This variant has not been reported in the literature in individuals affected with DOCK2-related conditions. This variant is not present in population databases (gnomAD no frequency). This sequence change replaces leucine, which is neutral and non-polar, with proline, which is neutral and non-polar, at codon 1690 of the DOCK2 protein (p.Leu1690Pro).

NM_004946.3(DOCK2):c.5069T>C (p.Leu1690Pro)

Gene: DOCK2 (dedicator of cytokinesis 2; plus strand). Cytogenetic location: 5q35.1.
Variant type: single nucleotide variant.
Coding change: c.5069T>C on transcript NM_004946.3 (MANE Select); coding-DNA position 5069, T replaced by C.
Protein change: p.Leu1690Pro; replaces leucine 1690 with proline.
Molecular consequence: missense variant. On other transcripts: non-coding transcript variant (1).
Genome position (GRCh38, 1-based): chr5:170,079,049, T>C. VCF-style: chr5-170079049-T-C. GRCh37 (hg19) VCF-style: chr5-169506053-T-C.
Other names: short protein forms L1690P.
Identifiers: ClinVar variation 1923000 (VCV001923000.5), dbSNP rs1436903714, ClinGen allele CA362116314.